The following is an entry in ClinVar:

NM_198578.4(LRRK2):c.4799C>A (p.Pro1600His)

Gene: LRRK2 (leucine rich repeat kinase 2; plus strand). Cytogenetic location: 12q12.
Variant type: single nucleotide variant.
Coding change: c.4799C>A on transcript NM_198578.4 (MANE Select); coding-DNA position 4799, C replaced by A.
Protein change: p.Pro1600His; replaces proline 1600 with histidine.
Molecular consequence: missense variant.
Genome position (GRCh38, 1-based): chr12:40,315,272, C>A. VCF-style: chr12-40315272-C-A. GRCh37 (hg19) VCF-style: chr12-40709074-C-A.
Other names: short protein forms P1600H.
Identifiers: ClinVar variation 2587311 (VCV002587311.2), dbSNP rs2499853116, ClinGen allele CA384419308.

ClinVar aggregate classification (germline): Uncertain significance (1 of 4 stars; one submission).

Conditions:
Inborn genetic diseases. Identifiers: MedGen C0950123, MeSH D030342.

Allele frequency attached by ClinVar (database versions not stated): gnomAD exomes below 0.00001.
gnomAD v4.1: 1 of 1,612,606 alleles (0.000062%); highest among the groups gnomAD compares: Non-Finnish European, 0.000085%; no homozygotes.

Submission:

Ambry Genetics
Classification: Uncertain significance for Inborn genetic diseases. Last evaluated: 2023-09-12. Review status: criteria provided, single submitter. Criteria: Ambry Variant Classification Scheme 2023. Collection method: clinical testing. Allele origin: germline.
Comment: The p.P1600H variant (also known as c.4799C>A), located in coding exon 33 of the LRRK2 gene, results from a C to A substitution at nucleotide position 4799. The proline at codon 1600 is replaced by histidine, an amino acid with similar properties. This amino acid position is conserved. In addition, this alteration is predicted to be deleterious by in silico analysis. Since supporting evidence is limited at this time, the clinical significance of this alteration remains unclear.